The following is an entry in ClinVar:

ClinVar aggregate classification (germline): Pathogenic (1 of 4 stars; one submission).

Submission:

Labcorp Genetics (formerly Invitae), Labcorp
Classification: Pathogenic. Last evaluated: 2025-10-23. Review status: criteria provided, single submitter. Criteria: Invitae Variant Classification Sherloc (09022015). Collection method: clinical testing. Allele origin: germline.
Comment: This sequence change creates a premature translational stop signal (p.Leu549Glufs*2) in the PDE6A gene. It is expected to result in an absent or disrupted protein product. Loss-of-function variants in PDE6A are known to be pathogenic (PMID: 7493036, 22128245, 23847139). This variant is present in population databases (rs757866615, gnomAD 0.003%). This variant has not been reported in the literature in individuals affected with PDE6A-related conditions. For these reasons, this variant has been classified as Pathogenic.

Literature cited by the submitters: PubMed 7493036; PubMed 22128245; PubMed 23847139.

NM_000440.3(PDE6A):c.1645_1646del (p.Leu549fs)

Gene: PDE6A (phosphodiesterase 6A; minus strand). Cytogenetic location: 5q32.
Variant type: Deletion.
Coding change: c.1645_1646del on transcript NM_000440.3 (MANE Select); coding-DNA positions 1645 to 1646, 2 bases deleted (CT; older notation c.1645_1646delCT).
Protein change: p.Leu549fs; shifts the reading frame from leucine 549.
Molecular consequence: frameshift variant.
Genome position (GRCh38, 1-based): chr5:149,895,265-149,895,266, AG deleted on the plus strand (CT on the coding strand, the reverse complement: PDE6A is on the minus strand). VCF-style (leftmost placement, unchanged base first): chr5-149895264-CAG-C. GRCh37 (hg19) VCF-style: chr5-149274827-CAG-C.
Other names: c.1402_1403del, p.Leu468fs (NM_001410788.1); short protein forms L549fs, L468fs.
Identifiers: ClinVar variation 4710734 (VCV004710734.1).